The following is an entry in ClinVar:

ClinVar aggregate classification (germline): Uncertain significance (1 of 4 stars; one submission).

Submission:

Ambry Genetics
Classification: Uncertain significance. Last evaluated: 2024-03-20. Review status: criteria provided, single submitter. Criteria: Ambry Variant Classification Scheme 2023. Collection method: clinical testing. Allele origin: germline.
Comment: The p.D470G variant (also known as c.1409A>G), located in coding exon 9 of the POLQ gene, results from an A to G substitution at nucleotide position 1409. The aspartic acid at codon 470 is replaced by glycine, an amino acid with similar properties. This amino acid position is conserved. In addition, the in silico prediction for this alteration is inconclusive. Based on the available evidence, the clinical significance of this alteration remains unclear.

NM_199420.4(POLQ):c.1409A>G (p.Asp470Gly)

Gene: POLQ (DNA polymerase theta; minus strand). Cytogenetic location: 3q13.33.
Variant type: single nucleotide variant.
Coding change: c.1409A>G on transcript NM_199420.4 (MANE Select); coding-DNA position 1409, A replaced by G.
Protein change: p.Asp470Gly; replaces aspartic acid 470 with glycine.
Molecular consequence: missense variant.
Genome position (GRCh38, 1-based): chr3:121,519,930, T>C on the plus strand (A>G on the coding strand, the complement: POLQ is on the minus strand). VCF-style: chr3-121519930-T-C. GRCh37 (hg19) VCF-style: chr3-121238777-T-C.
Other names: short protein forms D470G.
Identifiers: ClinVar variation 3308597 (VCV003308597.1).